The following is an entry in ClinVar:

NM_001372.4(DNAH9):c.8992C>T (p.Gln2998Ter)

Gene: DNAH9 (dynein axonemal heavy chain 9; plus strand). Cytogenetic location: 17p12.
Variant type: single nucleotide variant.
Coding change: c.8992C>T on transcript NM_001372.4 (MANE Select); coding-DNA position 8992, C replaced by T.
Protein change: p.Gln2998Ter; replaces glutamine 2998 with a stop codon.
Molecular consequence: nonsense.
Genome position (GRCh38, 1-based): chr17:11,822,579, C>T. VCF-style: chr17-11822579-C-T. GRCh37 (hg19) VCF-style: chr17-11725896-C-T.
Other names: short protein forms Q2998*.
Identifiers: ClinVar variation 1396137 (VCV001396137.5), dbSNP rs201960945, ClinGen allele CA8397102.

ClinVar aggregate classification (germline): Pathogenic (1 of 4 stars; one submission).

Allele frequency attached by ClinVar (database versions not stated): ExAC 0.00001; gnomAD 0.00001; gnomAD exomes 0.00002; TOPMed 0.00002; 1000 Genomes Project 30x 0.00016; 1000 Genomes Project 0.00020.
gnomAD v4.1: 5 of 1,614,136 alleles (0.00031%); highest among the groups gnomAD compares: Admixed American, 0.0033%; no homozygotes.

Submission:

Labcorp Genetics (formerly Invitae), Labcorp
Classification: Pathogenic. Last evaluated: 2022-06-13. Review status: criteria provided, single submitter. Criteria: Invitae Variant Classification Sherloc (09022015). Collection method: clinical testing. Allele origin: germline.
Comment: This variant is present in population databases (rs201960945, gnomAD 0.009%). This sequence change creates a premature translational stop signal (p.Gln2998*) in the DNAH9 gene. It is expected to result in an absent or disrupted protein product. Loss-of-function variants in DNAH9 are known to be pathogenic (PMID: 30471718). This premature translational stop signal has been observed in individual(s) with clinical features of primary ciliary dyskinesia (PMID: 32253119). Algorithms developed to predict the effect of sequence changes on RNA splicing suggest that this variant may disrupt the consensus splice site. For these reasons, this variant has been classified as Pathogenic.

Literature cited by the submitters: PubMed 30471718; PubMed 32253119.